The following is an entry in ClinVar:

ClinVar aggregate classification (germline): Likely benign. Review status: criteria provided, multiple submitters, no conflicts (2 of 4 stars). 3 submissions from 3 submitters: Likely benign (2). 1 of the submissions does not count toward it. Last evaluated 2026-01-18.

Conditions:
NBEAL2-related disorder. Also called: NBEAL2-related condition.

Allele frequency attached by ClinVar (database versions not stated): gnomAD 0.00166; ESP Exome Variant Server 0.00183; TOPMed 0.00246; 1000 Genomes Project 30x 0.00250; 1000 Genomes Project 0.00260.
gnomAD v4.1: 689 of 1,613,356 alleles (0.043%); highest among the groups gnomAD compares: African/African-American, 0.56%; 6 homozygotes.

Submissions (3):

Women's Health and Genetics/Laboratory Corporation of America, LabCorp
Classification: Likely benign. Last evaluated: 2026-01-18. Review status: criteria provided, single submitter. Criteria: LabCorp Variant Classification Summary - May 2015. Collection method: clinical testing. Allele origin: germline.
Comment: Variant summary: NBEAL2 c.2047G>A (p.Val683Ile) results in a conservative amino acid change in the encoded protein sequence. Algorithms developed to predict the effect of missense changes on protein structure and function are either unavailable or do not agree on the potential impact of this missense change. The variant allele was found at a frequency of 0.00051 in 247514 control chromosomes, predominantly at a frequency of 0.0065 within the African or African-American subpopulation in the gnomAD database, including 2 homozygotes. The observed variant frequency within African or African-American control individuals in the gnomAD database exceeds the estimated maximal expected allele frequency for disease-causing variants in NBEAL2. To our knowledge, no occurrence of c.2047G>A in individuals affected with NBEAL2-related conditions and no experimental evidence demonstrating its impact on protein function have been reported. ClinVar contains an entry for this variant (Variation ID: 3040776). Based on the evidence outlined above, the variant was classified as likely benign.

Blueprint Genetics
Classification: Likely benign. Last evaluated: 2024-09-25. Review status: criteria provided, single submitter. Criteria: ACMG Guidelines, 2015. Collection method: clinical testing. Allele origin: germline.

PreventionGenetics, part of Exact Sciences
Classification: Likely benign for NBEAL2-related condition. Last evaluated: 2023-07-26. Review status: no assertion criteria provided. Collection method: clinical testing. Allele origin: germline. Not counted in ClinVar's aggregate classification.
Comment: This variant is classified as likely benign based on ACMG/AMP sequence variant interpretation guidelines (Richards et al. 2015 PMID: 25741868, with internal and published modifications).

NM_015175.3(NBEAL2):c.2047G>A (p.Val683Ile)

Gene: NBEAL2 (neurobeachin like 2; plus strand). Cytogenetic location: 3p21.31.
Variant type: single nucleotide variant.
Coding change: c.2047G>A on transcript NM_015175.3 (MANE Select); coding-DNA position 2047, G replaced by A.
Protein change: p.Val683Ile; replaces valine 683 with isoleucine.
Molecular consequence: missense variant.
Genome position (GRCh38, 1-based): chr3:46,995,947, G>A. VCF-style: chr3-46995947-G-A. GRCh37 (hg19) VCF-style: chr3-47037437-G-A.
Other names: c.1945G>A, p.Val649Ile (NM_001365116.2); short protein forms V649I, V683I.
Identifiers: ClinVar variation 3040776 (VCV003040776.4), dbSNP rs72909834, ClinGen allele CA2360531.